The following is an entry in ClinVar:

ClinVar aggregate classification (germline): Uncertain significance (1 of 4 stars; one submission).

Conditions:
Sotos syndrome (SOTOS). Also called: Sotos' syndrome; Distinctive facial appearance, overgrowth in childhood, and learning disabilities or delayed development; CHROMOSOME 5q35 DELETION SYNDROME; CEREBRAL GIGANTISM; SOTOS SYNDROME 1. Identifiers: Orphanet 821, MedGen C0175695, MONDO:0019349, OMIM 117550.

Submission:

MGZ Medical Genetics Center
Classification: Uncertain significance for Sotos syndrome. Last evaluated: 2021-08-17. Review status: criteria provided, single submitter. Criteria: ACMG Guidelines, 2015. Collection method: clinical testing. Allele origin: germline. Affected: yes. Observed: 1 variant allele.
Comment: ACMG criteria applied: PM2_SUP, PP3

NM_022455.5(NSD1):c.4302+3A>T

Gene: NSD1 (nuclear receptor binding SET domain protein 1; plus strand). Cytogenetic location: 5q35.3.
Variant type: single nucleotide variant.
Coding change: c.4302+3A>T on transcript NM_022455.5 (MANE Select); 3 bases into the intron after coding-DNA position 4302, A replaced by T.
Molecular consequence: intron variant.
Genome position (GRCh38, 1-based): chr5:177,239,868, A>T. VCF-style: chr5-177239868-A-T. GRCh37 (hg19) VCF-style: chr5-176666869-A-T.
Other names: c.4302+3A>T (NM_001409301.1, NM_001409302.1, NM_001409303.1); c.3882+3A>T (NM_001409304.1); c.3549+3A>T (NM_001409305.1); c.3429+3A>T (NM_001409306.1, NM_001409308.1, NM_001409307.1 and 3 more transcripts).
Identifiers: ClinVar variation 1709874 (VCV001709874.3), dbSNP rs2480597769, ClinGen allele CA2580074061.